The following is an entry in ClinVar:

NM_016932.5(SIX2):c.36G>T (p.Glu12Asp)

Gene: SIX2 (SIX homeobox 2; minus strand). Cytogenetic location: 2p21.
Variant type: single nucleotide variant.
Coding change: c.36G>T on transcript NM_016932.5 (MANE Select); coding-DNA position 36, G replaced by T.
Protein change: p.Glu12Asp; replaces glutamic acid 12 with aspartic acid.
Molecular consequence: missense variant.
Genome position (GRCh38, 1-based): chr2:45,009,075, C>A on the plus strand (G>T on the coding strand, the complement: SIX2 is on the minus strand). VCF-style: chr2-45009075-C-A. GRCh37 (hg19) VCF-style: chr2-45236214-C-A.
Other names: short protein forms E12D.
Identifiers: ClinVar variation 3613202 (VCV003613202.2).

ClinVar aggregate classification (germline): Uncertain significance (1 of 4 stars; one submission).

gnomAD v4.1: 4 of 1,597,584 alleles (0.00025%); highest among the groups gnomAD compares: Admixed American, 0.0051%; no homozygotes.

Submission:

Labcorp Genetics (formerly Invitae), Labcorp
Classification: Uncertain significance. Last evaluated: 2024-07-10. Review status: criteria provided, single submitter. Criteria: Invitae Variant Classification Sherloc (09022015). Collection method: clinical testing. Allele origin: germline.
Comment: This sequence change replaces glutamic acid, which is acidic and polar, with aspartic acid, which is acidic and polar, at codon 12 of the SIX2 protein (p.Glu12Asp). This variant is not present in population databases (gnomAD no frequency). This variant has not been reported in the literature in individuals affected with SIX2-related conditions. Advanced modeling of protein sequence and biophysical properties (such as structural, functional, and spatial information, amino acid conservation, physicochemical variation, residue mobility, and thermodynamic stability) performed at Invitae indicates that this missense variant is not expected to disrupt SIX2 protein function with a negative predictive value of 80%. In summary, the available evidence is currently insufficient to determine the role of this variant in disease. Therefore, it has been classified as a Variant of Uncertain Significance.